The following is an entry in ClinVar:

ClinVar aggregate classification (germline): Uncertain significance (1 of 4 stars; one submission).

Conditions:
Hereditary cancer-predisposing syndrome. Also called: Neoplastic Syndromes, Hereditary; Hereditary Cancer Syndrome; Hereditary neoplastic syndrome; Tumor predisposition. Identifiers: Orphanet 140162, MedGen C0027672, MeSH D009386, MONDO:0015356.

Submission:

Ambry Genetics
Classification: Uncertain significance for Hereditary cancer-predisposing syndrome. Last evaluated: 2023-04-10. Review status: criteria provided, single submitter. Criteria: Ambry Variant Classification Scheme 2023. Collection method: clinical testing. Allele origin: germline.
Comment: The p.K367* variant (also known as c.1099A>T), located in coding exon 10 of the SMARCE1 gene, results from an A to T substitution at nucleotide position 1099. This changes the amino acid from a lysine to a stop codon within coding exon 10. This alteration occurs at the 3' terminus of theSMARCE1 gene, is not expected to trigger nonsense-mediated mRNAdecay, and only impacts the last 10% of the protein. The exact functional effect of this alteration is unknown. Since supporting evidence is limited at this time, the clinical significance of this alteration remains unclear.

NM_003079.5(SMARCE1):c.1099A>T (p.Lys367Ter)

Gene: SMARCE1 (SWI/SNF related BAF chromatin remodeling complex subunit E1; minus strand). Cytogenetic location: 17q21.2.
Variant type: single nucleotide variant.
Coding change: c.1099A>T on transcript NM_003079.5 (MANE Select); coding-DNA position 1099, A replaced by T.
Protein change: p.Lys367Ter; replaces lysine 367 with a stop codon.
Molecular consequence: nonsense.
Genome position (GRCh38, 1-based): chr17:40,628,922, T>A on the plus strand (A>T on the coding strand, the complement: SMARCE1 is on the minus strand). VCF-style: chr17-40628922-T-A. GRCh37 (hg19) VCF-style: chr17-38785174-T-A.
Other names: short protein forms K367*.
Identifiers: ClinVar variation 2564311 (VCV002564311.2), dbSNP rs768116351, ClinGen allele CA399361436.